The following is an entry in ClinVar:

NM_014679.5(CEP57):c.337C>G (p.Gln113Glu)

Gene: CEP57 (centrosomal protein 57; plus strand). Cytogenetic location: 11q21.
Variant type: single nucleotide variant.
Coding change: c.337C>G on transcript NM_014679.5 (MANE Select); coding-DNA position 337, C replaced by G.
Protein change: p.Gln113Glu; replaces glutamine 113 with glutamic acid.
Molecular consequence: missense variant.
Genome position (GRCh38, 1-based): chr11:95,813,066, C>G. VCF-style: chr11-95813066-C-G. GRCh37 (hg19) VCF-style: chr11-95546230-C-G.
Other names: c.310C>G, p.Gln104Glu (NM_001243776.2); c.337C>G, p.Gln113Glu (NM_001243777.2); c.256C>G, p.Gln86Glu (NM_001363604.2); c.337C>G (NM_014679.4); short protein forms Q104E, Q113E, Q86E.
Identifiers: ClinVar variation 1053464 (VCV001053464.8), dbSNP rs1361128223, ClinGen allele CA382420806.
Genomic context (GRCh38, chr11:95,813,066, plus strand): 5'-AGTGTGAAAACCTTGTCTAGAGAAACAATTGAATATAAGAAAGTACTGGATGAACAGATA[C>G]AAGAAAGGGAGAATTCAAAGAATGAGGAATCAAAGCACAATCAAGGTTTGTTGATGAAGA-3'
Protein context (NP_055494.2, residues 103-123): EYKKVLDEQI[Gln113Glu]ERENSKNEES

ClinVar aggregate classification (germline): Uncertain significance. Review status: criteria provided, multiple submitters, no conflicts (2 of 4 stars). 2 submissions from 2 submitters: Uncertain significance (2). Last evaluated 2025-04-21.

Conditions:
Inborn genetic diseases. Identifiers: MedGen C0950123, MeSH D030342.
Mosaic variegated aneuploidy syndrome 2 (MVA2). Identifiers: Orphanet 1052, MedGen C3279843, MONDO:0013582, OMIM 614114.

Allele frequency attached by ClinVar (database versions not stated): gnomAD exomes 0.00001; TOPMed below 0.00001.
gnomAD v4.1: 6 of 1,613,246 alleles (0.00037%); highest among the groups gnomAD compares: Non-Finnish European, 0.00051%; no homozygotes.

Submissions (2):

Labcorp Genetics (formerly Invitae), Labcorp
Classification: Uncertain significance for Mosaic variegated aneuploidy syndrome 2. Last evaluated: 2025-04-21. Review status: criteria provided, single submitter. Criteria: Invitae Variant Classification Sherloc (09022015). Collection method: clinical testing. Allele origin: germline.
Comment: This sequence change replaces glutamine, which is neutral and polar, with glutamic acid, which is acidic and polar, at codon 113 of the CEP57 protein (p.Gln113Glu). This variant is present in population databases (no rsID available, gnomAD 0.002%). This variant has not been reported in the literature in individuals affected with CEP57-related conditions. ClinVar contains an entry for this variant (Variation ID: 1053464). Invitae Evidence Modeling of protein sequence and biophysical properties (such as structural, functional, and spatial information, amino acid conservation, physicochemical variation, residue mobility, and thermodynamic stability) indicates that this missense variant is not expected to disrupt CEP57 protein function with a negative predictive value of 80%. In summary, the available evidence is currently insufficient to determine the role of this variant in disease. Therefore, it has been classified as a Variant of Uncertain Significance.

Ambry Genetics
Classification: Uncertain significance for Inborn genetic diseases. Last evaluated: 2025-03-03. Review status: criteria provided, single submitter. Criteria: Ambry Variant Classification Scheme 2023. Collection method: clinical testing. Allele origin: germline.
Comment: The p.Q113E variant (also known as c.337C>G), located in coding exon 3 of the CEP57 gene, results from a C to G substitution at nucleotide position 337. The glutamine at codon 113 is replaced by glutamic acid, an amino acid with highly similar properties. This amino acid position is conserved. In addition, this alteration is predicted to be tolerated by in silico analysis. Based on the available evidence, the clinical significance of this variant remains unclear.